The following is an entry in ClinVar:

NC_000017.10:g.(?_59937175)_(59940147_?)del

Gene: BRIP1 (BRCA1 interacting DNA helicase 1; minus strand). Cytogenetic location: 17q23.2.
Variant type: Deletion.
Identifiers: ClinVar variation 3242969 (VCV003242969.1).

ClinVar aggregate classification (germline): Pathogenic (1 of 4 stars; one submission).

Conditions:
Familial cancer of breast. Also called: BREAST CANCER, FAMILIAL; hereditary breast carcinoma; Hereditary breast cancer. Identifiers: Orphanet 227535, MedGen C0346153, MONDO:0016419, OMIM 114480. Disease mechanism: loss of function.
Fanconi anemia complementation group J. Also called: BRIP1-Related Fanconi Anemia. Identifiers: Orphanet 84, MedGen C1836860, MONDO:0012187, OMIM 609054.

Submission:

Labcorp Genetics (formerly Invitae), Labcorp
Classification: Pathogenic for Familial cancer of breast; Fanconi anemia complementation group J. Last evaluated: 2024-01-15. Review status: criteria provided, single submitter. Criteria: Invitae Variant Classification Sherloc (09022015). Collection method: clinical testing. Allele origin: unknown.
Comment: This variant results in the deletion of exon 2 and part of exon 3 (c.-31+498_187del) of the BRIP1 gene. It is expected to result in an absent or disrupted protein product. Loss-of-function variants in BRIP1 are known to be pathogenic (PMID: 16116423, 17033622, 21964575). A similar copy number variant has been observed in individual(s) with ovarian cancer (PMID: 28783718). ClinVar contains an entry for this variant (Variation ID: 565330). For these reasons, this variant has been classified as Pathogenic.

Literature cited by the submitters: PubMed 16116423; PubMed 17033622; PubMed 21964575; PubMed 28783718.